The following is an entry in ClinVar:

NM_001006658.3(CR2):c.671G>A (p.Gly224Glu)

Gene: CR2 (complement C3d receptor 2; plus strand). Cytogenetic location: 1q32.2.
Variant type: single nucleotide variant.
Coding change: c.671G>A on transcript NM_001006658.3 (MANE Select); coding-DNA position 671, G replaced by A.
Protein change: p.Gly224Glu; replaces glycine 224 with glutamic acid.
Molecular consequence: missense variant.
Genome position (GRCh38, 1-based): chr1:207,468,836, G>A. VCF-style: chr1-207468836-G-A. GRCh37 (hg19) VCF-style: chr1-207642181-G-A.
Other names: c.671G>A, p.Gly224Glu (NM_001877.5); short protein forms G224E.
Identifiers: ClinVar variation 2794268 (VCV002794268.4), dbSNP rs927776538, ClinGen allele CA36647353.
Genomic context (GRCh38, chr1:207,468,836, plus strand): 5'-TCTCATCTTTGGTTTGTTTTTTAGAGGCACGCTGTAAATCTCTAGGACGATTTCCCAATG[G>A]GAAGGTAAAGGAGCCTCCAATTCTCCGGGTTGGTGTAACTGCAAACTTTTTCTGTGATGA-3'
Protein context (NP_001006659.1, residues 214-234): RCKSLGRFPN[Gly224Glu]KVKEPPILRV

ClinVar aggregate classification (germline): Uncertain significance. Review status: criteria provided, multiple submitters, no conflicts (2 of 4 stars). 2 submissions from 2 submitters: Uncertain significance (2). Last evaluated 2024-12-11.

Conditions:
Inborn genetic diseases. Identifiers: MedGen C0950123, MeSH D030342.
Immunodeficiency, common variable, 7. Identifiers: Orphanet 1572, Orphanet 696894, MedGen C3542922, MONDO:0013862, OMIM 614699.

Allele frequency attached by ClinVar (database versions not stated): gnomAD exomes below 0.00001.
gnomAD v4.1: 1 of 1,613,966 alleles (0.000062%); highest among the groups gnomAD compares: Non-Finnish European, 0.000085%; no homozygotes.

Submissions (2):

Ambry Genetics
Classification: Uncertain significance for Inborn genetic diseases. Last evaluated: 2024-12-11. Review status: criteria provided, single submitter. Criteria: Ambry Variant Classification Scheme 2023. Collection method: clinical testing. Allele origin: germline.

Labcorp Genetics (formerly Invitae), Labcorp
Classification: Uncertain significance for Immunodeficiency, common variable, 7. Last evaluated: 2024-09-06. Review status: criteria provided, single submitter. Criteria: Invitae Variant Classification Sherloc (09022015). Collection method: clinical testing. Allele origin: germline.
Comment: This sequence change replaces glycine, which is neutral and non-polar, with glutamic acid, which is acidic and polar, at codon 224 of the CR2 protein (p.Gly224Glu). This variant is not present in population databases (gnomAD no frequency). This variant has not been reported in the literature in individuals affected with CR2-related conditions. An algorithm developed to predict the effect of missense changes on protein structure and function (PolyPhen-2) suggests that this variant is likely to be disruptive. In summary, the available evidence is currently insufficient to determine the role of this variant in disease. Therefore, it has been classified as a Variant of Uncertain Significance.